The following is an entry in ClinVar:

NM_004082.5(DCTN1):c.1060G>A (p.Ala354Thr)

Gene: DCTN1 (dynactin subunit 1; minus strand). Cytogenetic location: 2p13.1.
Variant type: single nucleotide variant.
Coding change: c.1060G>A on transcript NM_004082.5 (MANE Select); coding-DNA position 1060, G replaced by A.
Protein change: p.Ala354Thr; replaces alanine 354 with threonine.
Molecular consequence: missense variant. On other transcripts: non-coding transcript variant (1).
Genome position (GRCh38, 1-based): chr2:74,370,533, C>T on the plus strand (G>A on the coding strand, the complement: DCTN1 is on the minus strand). VCF-style: chr2-74370533-C-T. GRCh37 (hg19) VCF-style: chr2-74597660-C-T.
Other names: c.1000G>A, p.Ala334Thr (NM_001135040.3); c.658G>A, p.Ala220Thr (NM_001135041.3, NM_023019.4); c.949G>A, p.Ala317Thr (NM_001190836.2); c.1039G>A, p.Ala347Thr (NM_001190837.2); c.1009G>A, p.Ala337Thr (NM_001378991.1); c.991G>A, p.Ala331Thr (NM_001378992.1); short protein forms A220T, A317T, A331T, A334T, A337T, A347T, A354T.
Identifiers: ClinVar variation 3752498 (VCV003752498.3).

ClinVar aggregate classification (germline): Uncertain significance. Review status: criteria provided, multiple submitters, no conflicts (2 of 4 stars). 2 submissions from 2 submitters: Uncertain significance (2). Last evaluated 2024-12-10.

Conditions:
Amyotrophic lateral sclerosis type 1 (ALS1). Also called: AMYOTROPHIC LATERAL SCLEROSIS 1, FAMILIAL. Identifiers: Orphanet 803, MedGen C1862939, MONDO:0007103, OMIM 105400.
Neuronopathy, distal hereditary motor, type 7B. Also called: HMN VIIB; LOWER MOTOR NEURON DISEASE, DYNACTIN TYPE; NEURONOPATHY, DISTAL HEREDITARY MOTOR, AUTOSOMAL DOMINANT 14; NEURONOPATHY, DISTAL HEREDITARY MOTOR, HARDING TYPE VIIB; NEUROPATHY, DISTAL HEREDITARY MOTOR, HARDING TYPE VIIB; NEUROPATHY, DISTAL HEREDITARY MOTOR, WITH VOCAL CORD PARALYSIS, HARDING TYPE VIIB. Identifiers: Orphanet 139589, MedGen C1843315, MONDO:0011879, OMIM 607641.
Perry syndrome. Also called: PARKINSONISM WITH ALVEOLAR HYPOVENTILATION AND MENTAL DEPRESSION. Identifiers: Orphanet 178509, MedGen C1868594, MONDO:0008201, OMIM 168605.

Submissions (2):

GeneDx
Classification: Uncertain significance. Last evaluated: 2024-12-10. Review status: criteria provided, single submitter. Criteria: GeneDx Variant Classification Process June 2021. Collection method: clinical testing. Allele origin: germline. Affected: yes.
Comment: Not observed at significant frequency in large population cohorts (gnomAD); In silico analysis indicates that this missense variant does not alter protein structure/function; Has not been previously published as pathogenic or benign to our knowledge

Labcorp Genetics (formerly Invitae), Labcorp
Classification: Uncertain significance for Amyotrophic lateral sclerosis type 1; Neuronopathy, distal hereditary motor, type 7B; Perry syndrome. Last evaluated: 2024-11-14. Review status: criteria provided, single submitter. Criteria: Invitae Variant Classification Sherloc (09022015). Collection method: clinical testing. Allele origin: germline.
Comment: This sequence change replaces alanine, which is neutral and non-polar, with threonine, which is neutral and polar, at codon 354 of the DCTN1 protein (p.Ala354Thr). The frequency data for this variant in the population databases is considered unreliable, as metrics indicate poor data quality at this position in the gnomAD database. This variant has not been reported in the literature in individuals affected with DCTN1-related conditions. Invitae Evidence Modeling of protein sequence and biophysical properties (such as structural, functional, and spatial information, amino acid conservation, physicochemical variation, residue mobility, and thermodynamic stability) indicates that this missense variant is not expected to disrupt DCTN1 protein function with a negative predictive value of 95%. In summary, the available evidence is currently insufficient to determine the role of this variant in disease. Therefore, it has been classified as a Variant of Uncertain Significance.